The following is an entry in ClinVar:

NM_198994.3(TGM6):c.1528G>C (p.Asp510His)

Gene: TGM6 (transglutaminase 6; plus strand). Cytogenetic location: 20p13.
Variant type: single nucleotide variant.
Coding change: c.1528G>C on transcript NM_198994.3 (MANE Select); coding-DNA position 1528, G replaced by C.
Protein change: p.Asp510His; replaces aspartic acid 510 with histidine.
Molecular consequence: missense variant.
Genome position (GRCh38, 1-based): chr20:2,417,423, G>C. VCF-style: chr20-2417423-G-C. GRCh37 (hg19) VCF-style: chr20-2398069-G-C.
Other names: c.1528G>C, p.Asp510His (NM_001254734.2); short protein forms D510H.
Identifiers: ClinVar variation 42023 (VCV000042023.7), dbSNP rs201964784, ClinGen allele CA261277.

ClinVar aggregate classification (germline): Uncertain significance. Review status: criteria provided, multiple submitters, no conflicts (2 of 4 stars). 4 submissions from 4 submitters: Uncertain significance (3). 1 of the submissions does not count toward it. Last evaluated 2023-05-23.

Conditions:
Spinocerebellar ataxia type 35. Identifiers: Orphanet 276193, MedGen C3888031, MONDO:0013485, OMIM 613908.

Allele frequency attached by ClinVar (database versions not stated): gnomAD 0.00005 and 0.00007; ExAC 0.00015; 1000 Genomes Project 0.00060; TOPMed 0.00009; 1000 Genomes Project 30x 0.00078.
gnomAD v4.1: 51 of 1,612,992 alleles (0.0032%); highest among the groups gnomAD compares: East Asian, 0.11%; no homozygotes.

Submissions (4):

GeneDx
Classification: Uncertain significance. Last evaluated: 2023-05-23. Review status: criteria provided, single submitter. Criteria: GeneDx Variant Classification Process June 2021. Collection method: clinical testing. Allele origin: germline. Affected: yes.
Comment: Published functional studies suggest a damaging effect including protein destabilization and reduced enzymatic activity (Guo et al., 2014); In silico analysis supports that this missense variant has a deleterious effect on protein structure/function; This variant is associated with the following publications: (PMID: 34401960, 25253745, 22554020, 33588035, 31920494, 23341771)

Mendelics
Classification: Uncertain significance. Last evaluated: 2022-05-04. Review status: criteria provided, single submitter. Criteria: Mendelics Assertion Criteria 2019. Collection method: clinical testing. Allele origin: germline.

Revvity Omics, Revvity
Classification: Uncertain significance for Spinocerebellar ataxia type 35. Last evaluated: 2021-05-07. Review status: criteria provided, single submitter. Criteria: ACMG Guidelines, 2015. Collection method: clinical testing. Allele origin: germline.

OMIM
Classification: Pathogenic for SPINOCEREBELLAR ATAXIA 35. Last evaluated: 2014-10-21. Review status: no assertion criteria provided. Collection method: literature only. Allele origin: germline. Not counted in ClinVar's aggregate classification.

Literature cited by the submitters: PubMed 22554020 (cited by OMIM); PubMed 25253745 (cited by OMIM).